The following is an entry in ClinVar:

ClinVar aggregate classification (germline): Pathogenic (1 of 4 stars; one submission).

Conditions:
Long QT syndrome (LQTS). Identifiers: MedGen C0023976, MeSH D008133, MONDO:0002442. Disease mechanism: loss of function. Inheritance: Various modes of inheritance.

Submission:

Labcorp Genetics (formerly Invitae), Labcorp
Classification: Pathogenic for Long QT syndrome. Last evaluated: 2019-09-03. Review status: criteria provided, single submitter. Criteria: Invitae Variant Classification Sherloc (09022015). Collection method: clinical testing. Allele origin: germline.
Comment: For these reasons, this variant has been classified as Pathogenic. Sub-genic deletion of exon 7 has been determined to be pathogenic (PMID: 25889101, 20920651 ). Therefore, deletions that fully encompass that region are also expected to be pathogenic. This variant has not been reported in the literature in individuals with KCNQ1-related conditions. This variant is a gross deletion of the genomic region encompassing exons 2-16 of the KCNQ1 gene. The 5' boundary is likely confined to intron 1. The 3' end of this event is unknown as it extends through the termination codon beyond the assayed region for this gene and may encompass additional genes. While this deletion is not anticipated to result in nonsense mediated decay, it is expected to create a truncated protein product or disrupt mRNA translation.

Literature cited by the submitters: PubMed 25889101; PubMed 20920651.

NC_000011.10:g.(?_2527918)_(2848935_?)del

Genes: KCNQ1 (potassium voltage-gated channel subfamily Q member 1; plus strand), KCNQ1OT1 (KCNQ1 opposite strand/antisense transcript 1; minus strand). Cytogenetic location: 11p15.5-15.4.
Variant type: Deletion.
Identifiers: ClinVar variation 831635 (VCV000831635.9).